The following is an entry in ClinVar:

ClinVar aggregate classification (germline): Pathogenic (1 of 4 stars; one submission).

Conditions:
Joubert syndrome 18 (JBTS18). Identifiers: Orphanet 2754, MedGen C3553758, MONDO:0013896, OMIM 614815.
Orofacial-digital syndrome IV (OFD4). Also called: BARAITSER-BURN SYNDROME; OFD SYNDROME WITH TIBIAL DEFECTS; OFD SYNDROME, BARAITSER-BURN TYPE; OFDS IV; ORAL-FACIAL-DIGITAL SYNDROME, TYPE IV; Orofaciodigital syndrome IV. Identifiers: Orphanet 2753, MedGen C0406727, MONDO:0009794, OMIM 258860.

Allele frequency attached by ClinVar (database versions not stated): gnomAD exomes 0.00003.

Submission:

Labcorp Genetics (formerly Invitae), Labcorp
Classification: Pathogenic for Joubert syndrome 18; Orofacial-digital syndrome IV. Last evaluated: 2022-08-25. Review status: criteria provided, single submitter. Criteria: Invitae Variant Classification Sherloc (09022015). Collection method: clinical testing. Allele origin: germline.
Comment: This sequence change creates a premature translational stop signal (p.Gln357Thrfs*23) in the TCTN3 gene. It is expected to result in an absent or disrupted protein product. Loss-of-function variants in TCTN3 are known to be pathogenic (PMID: 2692869, 22883145, 25118024). This variant is not present in population databases (gnomAD no frequency). This variant has not been reported in the literature in individuals affected with TCTN3-related conditions. For these reasons, this variant has been classified as Pathogenic.

Literature cited by the submitters: PubMed 2692869; PubMed 22883145; PubMed 25118024.

NM_015631.6(TCTN3):c.1068dup (p.Gln357fs)

Gene: TCTN3 (tectonic family member 3; minus strand). Cytogenetic location: 10q24.1.
Variant type: Duplication.
Coding change: c.1068dup on transcript NM_015631.6 (MANE Select); coding-DNA position 1068, one base duplicated (A; older notation c.1068dupA).
Protein change: p.Gln357fs; shifts the reading frame from glutamine 357.
Molecular consequence: frameshift variant. On other transcripts: intron variant (1).
Genome position (GRCh38, 1-based): chr10:95,684,526, T duplicated on the plus strand (A on the coding strand, the reverse complement: TCTN3 is on the minus strand). VCF-style (leftmost placement, unchanged base first): chr10-95684525-G-GT. GRCh37 (hg19) VCF-style: chr10-97444282-G-GT.
Other names: c.1122dup, p.Gln375Thrfs (NM_001013840.1); c.987dup, p.Gln330Thrfs (NM_001410982.1); c.652-897dup (NM_001143973.2); short protein forms Q357fs.
Identifiers: ClinVar variation 2199048 (VCV002199048.4), dbSNP rs2492748621, ClinGen allele CA2574628493.